The following is an entry in ClinVar:

NM_006005.3(WFS1):c.2548T>G (p.Cys850Gly)

Gene: WFS1 (wolframin ER transmembrane glycoprotein; plus strand). Cytogenetic location: 4p16.1.
Variant type: single nucleotide variant.
Coding change: c.2548T>G on transcript NM_006005.3 (MANE Select); coding-DNA position 2548, T replaced by G.
Protein change: p.Cys850Gly; replaces cysteine 850 with glycine.
Molecular consequence: missense variant.
Genome position (GRCh38, 1-based): chr4:6,302,343, T>G. VCF-style: chr4-6302343-T-G. GRCh37 (hg19) VCF-style: chr4-6304070-T-G.
Other names: c.2548T>G, p.Cys850Gly (NM_001145853.1); short protein forms C850G.
Identifiers: ClinVar variation 1389097 (VCV001389097.7), dbSNP rs966123985, ClinGen allele CA91797809.
Genomic context (GRCh38, chr4:6,302,343, plus strand): 5'-GAGGGCCGCCTGGGCAGCAAGTGGCCTGTCTTCGAGCTCAAGGCCATCAGCTGCCTCAAC[T>G]GCATGGCCCAGCTCTCACCCACCAGGCGGCACGTGAAGATCGAGCACGACTGGCGCAGCA-3'
Protein context (NP_005996.2, residues 840-860): FELKAISCLN[Cys850Gly]MAQLSPTRRH

ClinVar aggregate classification (germline): Uncertain significance. Review status: criteria provided, multiple submitters, no conflicts (2 of 4 stars). 2 submissions from 2 submitters: Uncertain significance (2). Last evaluated 2025-12-11.

Conditions:
Cataract 41 (CTRCT41). Also called: CATARACT 41, CONGENITAL NUCLEAR TYPE. Identifiers: Orphanet 91492, Orphanet 98991, Orphanet 98992, Orphanet 98995, MedGen C3805412, MONDO:0007287, OMIM 116400.
Wolfram syndrome 1 (WFS1). Identifiers: Orphanet 3463, MedGen C4551693, MONDO:0009101, OMIM 222300.
Autosomal dominant nonsyndromic hearing loss 6 (LFSNHL). Also called: DEAFNESS, AUTOSOMAL DOMINANT 6; DEAFNESS, AUTOSOMAL DOMINANT 14; DEAFNESS, AUTOSOMAL DOMINANT 38; Autosomal dominant nonsyndromic deafness 6. Identifiers: Orphanet 90635, MedGen C1833021, MONDO:0010963, OMIM 600965.
Wolfram-like syndrome. Also called: HEARING LOSS, PROGRESSIVE, WITH OPTIC ATROPHY AND/OR IMPAIRED GLUCOSE REGULATION. Identifiers: Orphanet 411590, MedGen C3280358, MONDO:0013673, OMIM 614296.
Type 2 diabetes mellitus. Also called: Type II diabetes mellitus. Identifiers: MedGen C0011860, MeSH D003924, MONDO:0005148, OMIM 125853, HP:0005978.

Allele frequency attached by ClinVar (database versions not stated): gnomAD exomes below 0.00001; TOPMed 0.00001.
gnomAD v4.1: 5 of 1,612,696 alleles (0.00031%); highest among the groups gnomAD compares: Admixed American, 0.0017%; no homozygotes.

Submissions (2):

Labcorp Genetics (formerly Invitae), Labcorp
Classification: Uncertain significance. Last evaluated: 2025-12-11. Review status: criteria provided, single submitter. Criteria: Invitae Variant Classification Sherloc (09022015). Collection method: clinical testing. Allele origin: germline.
Comment: This sequence change replaces cysteine, which is neutral and slightly polar, with glycine, which is neutral and non-polar, at codon 850 of the WFS1 protein (p.Cys850Gly). This variant is not present in population databases (gnomAD no frequency). This variant has not been reported in the literature in individuals affected with WFS1-related conditions. ClinVar contains an entry for this variant (Variation ID: 1389097). Invitae Evidence Modeling of protein sequence and biophysical properties (such as structural, functional, and spatial information, amino acid conservation, physicochemical variation, residue mobility, and thermodynamic stability) indicates that this missense variant is expected to disrupt WFS1 protein function with a positive predictive value of 95%. In summary, the available evidence is currently insufficient to determine the role of this variant in disease. Therefore, it has been classified as a Variant of Uncertain Significance.

Fulgent Genetics
Classification: Uncertain significance for Cataract 41; Type 2 diabetes mellitus; Wolfram syndrome 1; Autosomal dominant nonsyndromic hearing loss 6; Wolfram-like syndrome. Last evaluated: 2024-01-16. Review status: criteria provided, single submitter. Criteria: ACMG Guidelines, 2015. Collection method: clinical testing. Allele origin: germline.